The following is an entry in ClinVar:

ClinVar aggregate classification (germline): Likely benign. Review status: criteria provided, single submitter (1 of 4 stars). 2 submissions from 2 submitters: Likely benign (1). 1 of the submissions does not count toward it. Last evaluated 2024-02-24.

Conditions:
Peripheral neuropathy. Also called: Neuropathy. Identifiers: MedGen C0031117, MONDO:0005244, HP:0009830.
FLRT1-related disorder. Also called: FLRT1-related condition.

Allele frequency attached by ClinVar (database versions not stated): 1000 Genomes Project 30x 0.00016; 1000 Genomes Project 0.00020; TOPMed 0.00070; gnomAD 0.00099 and 0.00102; ESP Exome Variant Server 0.00123; gnomAD exomes 0.00135 and 0.00137; ExAC 0.00164.
gnomAD v4.1: 2,126 of 1,611,600 alleles (0.13%); highest among the groups gnomAD compares: Non-Finnish European, 0.15%; 1 homozygote.

Submissions (2):

Labcorp Genetics (formerly Invitae), Labcorp
Classification: Likely benign for Peripheral neuropathy. Last evaluated: 2024-02-24. Review status: criteria provided, single submitter. Criteria: Invitae Variant Classification Sherloc (09022015). Collection method: clinical testing. Allele origin: germline.

PreventionGenetics, part of Exact Sciences
Classification: Likely benign for FLRT1-related condition. Last evaluated: 2023-01-12. Review status: no assertion criteria provided. Collection method: clinical testing. Allele origin: germline. Not counted in ClinVar's aggregate classification.
Comment: This variant is classified as likely benign based on ACMG/AMP sequence variant interpretation guidelines (Richards et al. 2015 PMID: 25741868, with internal and published modifications).

NM_013280.5(FLRT1):c.1843C>T (p.Arg615Cys)

Genes: MACROD1 (mono-ADP ribosylhydrolase 1; minus strand), FLRT1 (fibronectin leucine rich transmembrane protein 1; plus strand). Cytogenetic location: 11q13.1.
Variant type: single nucleotide variant.
Coding change: c.1843C>T on transcript NM_013280.5 (MANE Select); coding-DNA position 1843, C replaced by T.
Protein change: p.Arg615Cys; replaces arginine 615 with cysteine.
Molecular consequence: missense variant. On other transcripts: intron variant (2).
Genome position (GRCh38, 1-based): chr11:64,118,110, C>T. VCF-style: chr11-64118110-C-T. GRCh37 (hg19) VCF-style: chr11-63885582-C-T.
Other names: c.1843C>T, p.Arg615Cys (NM_001384466.1); c.1759C>T, p.Arg587Cys (NM_001423967.1); c.517+33129G>A (NM_001411019.1, NM_014067.4); short protein forms R615C, R587C.
Identifiers: ClinVar variation 704987 (VCV000704987.13), dbSNP rs61735088, ClinGen allele CA6067807.